The following is an entry in ClinVar:

NM_170707.4(LMNA):c.1580G>C (p.Arg527Pro)

Gene: LMNA (lamin A/C; plus strand). Cytogenetic location: 1q22.
Variant type: single nucleotide variant.
Coding change: c.1580G>C on transcript NM_170707.4 (MANE Select); coding-DNA position 1580, G replaced by C.
Protein change: p.Arg527Pro; replaces arginine 527 with proline.
Molecular consequence: missense variant.
Genome position (GRCh38, 1-based): chr1:156,137,204, G>C. VCF-style: chr1-156137204-G-C. GRCh37 (hg19) VCF-style: chr1-156106995-G-C.
Other names: c.1244G>C, p.Arg415Pro (NM_001257374.3); c.1337G>C, p.Arg446Pro (NM_001282624.2); c.1580G>C, p.Arg527Pro (NM_001282625.2, NM_001282626.2, NM_005572.4 and 1 more transcripts); short protein forms R527P, R446P, R415P.
Identifiers: ClinVar variation 14481 (VCV000014481.19), dbSNP rs57520892, ClinGen allele CA017498.

ClinVar aggregate classification (germline): Pathogenic. Review status: criteria provided, multiple submitters, no conflicts (2 of 4 stars). 10 submissions from 9 submitters: Pathogenic (7). 3 of the submissions do not count toward it. Last evaluated 2024-11-25.

Conditions:
LMNA-related disorder. Also called: LMNA-related condition; LMNA-related disease; LMNA-related disorders. Identifiers: MedGen CN380145.
Cardiovascular phenotype. Identifiers: MedGen CN230736.
Charcot-Marie-Tooth disease type 2. Also called: Charcot-Marie-Tooth type 2. Identifiers: Orphanet 64746, MedGen C0270914, MONDO:0018993.
Emery-Dreifuss muscular dystrophy 2, autosomal dominant (EDMD2). Also called: Benign scapuloperoneal muscular dystrophy with cardiomyopathy; LMNA-Related Emery-Dreifuss Muscular Dystrophy, Autosomal; Limb-girdle muscular dystrophy, type 1B; Muscular dystrophy, proximal, type 1B; HAUPTMANN-THANNHAUSER MUSCULAR DYSTROPHY; MUSCULAR DYSTROPHY WITH EARLY CONTRACTURES AND CARDIOMYOPATHY, AUTOSOMAL DOMINANT. Identifiers: Orphanet 261, Orphanet 264, MedGen C0410190, MONDO:0021569, OMIM 181350.
Primary dilated cardiomyopathy (DCM). Also called: Dilated Cardiomyopathy. Identifiers: Orphanet 217604, MedGen C0007193, MeSH D002311, MONDO:0005021, HP:0001644. Inheritance: Various modes of inheritance.
Familial partial lipodystrophy, Dunnigan type. Also called: Partial lipodystrophy, Dunnigan; LIPODYSTROPHY, FAMILIAL, OF LIMBS AND LOWER TRUNK; LIPODYSTROPHY, REVERSE PARTIAL. Identifiers: Orphanet 2348, MedGen C1720860, MONDO:0007906, OMIM 151660.

Submissions (10):

Revvity Omics, Revvity
Classification: Pathogenic. Last evaluated: 2024-11-25. Review status: criteria provided, single submitter. Criteria: ACMG Guidelines, 2015. Collection method: clinical testing. Allele origin: germline.

Labcorp Genetics (formerly Invitae), Labcorp
Classification: Pathogenic for Charcot-Marie-Tooth disease type 2. Last evaluated: 2024-10-18. Review status: criteria provided, single submitter. Criteria: Invitae Variant Classification Sherloc (09022015). Collection method: clinical testing. Allele origin: germline.
Comment: This sequence change replaces arginine, which is basic and polar, with proline, which is neutral and non-polar, at codon 527 of the LMNA protein (p.Arg527Pro). This variant is not present in population databases (gnomAD no frequency). This missense change has been observed in individuals with autosomal dominant muscular dystrophies (PMID: 10080180, 19084400, 20980393). It has also been observed to segregate with disease in related individuals. ClinVar contains an entry for this variant (Variation ID: 14481). Invitae Evidence Modeling of protein sequence and biophysical properties (such as structural, functional, and spatial information, amino acid conservation, physicochemical variation, residue mobility, and thermodynamic stability) indicates that this missense variant is expected to disrupt LMNA protein function with a positive predictive value of 95%. Experimental studies have shown that this missense change affects LMNA function (PMID: 16218190, 19933576). This variant disrupts the p.Arg527 amino acid residue in LMNA. Other variant(s) that disrupt this residue have been determined to be pathogenic (PMID: 12075506, 14627682, 18604166, 19432833, 23497705, 25286833, 25324471, 25823658). This suggests that this residue is clinically significant, and that variants that disrupt this residue are likely to be disease-causing. For these reasons, this variant has been classified as Pathogenic.

Ambry Genetics
Classification: Pathogenic for Cardiovascular phenotype. Last evaluated: 2023-10-16. Review status: criteria provided, single submitter. Criteria: Ambry Variant Classification Scheme 2023. Collection method: clinical testing. Allele origin: germline.
Comment: The p.R527P pathogenic mutation (also known as c.1580G>C), located in coding exon 9 of the LMNA gene, results from a G to C substitution at nucleotide position 1580. The arginine at codon 527 is replaced by proline, an amino acid with dissimilar properties. This alteration has been reported in numerous individuals with laminopathies, including muscular dystrophies, and segregated with disease in some families (Bonne G et al. Nat Genet, 1999 Mar;21:285-8; van der Kooi AJ et al. Neurology, 2002 Aug;59:620-3; Mitsuhashi H et al. J Cell Sci, 2010 Nov;123:3893-900; van Rijsingen IA et al. Eur J Heart Fail, 2013 Apr;15:376-84; Tan D et al. PLoS One, 2015 Jun;10:e0129699; Ben Yaou R et al. Brain Commun, 2021 Jul;3:fcab075; Fan Y et al. J Med Genet, 2021 May;58:326-333; Vasandani C et al. J Endocr Soc, 2022 Oct;6:bvac155). Additionally, this alteration was detected as de novo in two siblings with muscular dystrophy (Makri S et al. Neuromuscul Disord, 2009 Jan;19:26-8). This variant is considered to be rare based on population cohorts in the Genome Aggregation Database (gnomAD). This alteration is predicted to be deleterious by BayesDel in silico analysis. Based on the supporting evidence, this alteration is interpreted as a disease-causing mutation.

Blueprint Genetics
Classification: Pathogenic for LMNA-related disorders. Last evaluated: 2023-01-23. Review status: criteria provided, single submitter. Criteria: ACMG Guidelines, 2015. Collection method: clinical testing. Allele origin: germline. Affected: yes. Observed: 1 variant allele.

Loeys Lab, Universiteit Antwerpen
Classification: Pathogenic for Primary dilated cardiomyopathy. Last evaluated: 2021-02-26. Review status: criteria provided, single submitter. Criteria: ACMG Guidelines, 2015. Collection method: clinical testing. Allele origin: somatic. Affected: yes. Observed: 1 variant allele, 1 heterozygote.
Comment: This sequence change results in a missense variant in the LMNA gene (p.(Arg527Pro)). (PP2; based on GnomAd constraint matrix). This variant is absent from population databases such as GnomAD (PM2) . This variant has been described in literature (PMID: 16218190; PMID: 19933576) (PP1). An abnormal phenotype was seen in transfected cells with the R527P variant: nuclear aggregates of lamin A and displacement to cytoplasmic aggregates. Of the different LMNA variants studied in this paper, R527P produced the most severe phenotype on cellular level (PMID: 19933576) (PS3). The variant has been described in several individuals and families affected with AD muscular dystrophies and segregated with the disease in these families (PMID: 10080180, 19084400, 20980393).The variant affects a highly conserved amino acid. Other variants that disrupt this amino acid have been reported as pathogenic p.Arg527His (PMID: 12075506, 14627682, 18604166, 25823658, 25324471) and p.Arg527Cys (PMID:19432833, 23497705, 25286833) (PM5). We identified this variant in a patients with DCM. In conclusion this variant was classified as pathogenic according to ACMG-guidelines (PS3, PM2,PM5,PP1,PP2).

Imagene.me medical diagnostic laboratory, IMAGENE.ME SA
Classification: Pathogenic for Emery-Dreifuss muscular dystrophy 2, autosomal dominant. Review status: criteria provided, single submitter. Criteria: IMAGENE.ME Variant Classification SOP 2022. Collection method: clinical testing. Allele origin: germline. Affected: yes.
Comment: Classified according to the IMAGENE.ME variant classification SOP based on the ACMG guidelines as Pathogenic (P): PS3 + PS4 + PM1 + PM2 + PM5_Strong + PP3_Moderate + PP1_Moderate + PP4 + PP5

Neuberg Centre For Genomic Medicine, NCGM
Classification: Pathogenic for Familial partial lipodystrophy, Dunnigan type. Review status: criteria provided, single submitter. Criteria: ACMG Guidelines, 2015. Collection method: clinical testing. Allele origin: germline. Inheritance: Autosomal dominant inheritance. Affected: yes.
Comment: The LMNA c.1580G>C(p.Arg527Pro) variant has been reported in individuals affected with lipodystrophy (Kooi et al., 2002). Experimental studies have shown that an abnormal phenotype was seen in transfected cells with the R527P variant: nuclear aggregates of lamin A and displacement to cytoplasmic aggregates. This variant has been reported to affect LMNA protein function (Motsch et al., 2005). The p.Arg527Pro variant is novel (not in any individuals) in gnomAD Exomes and 1000 Genomes. It has been submitted to ClinVar with varying interpretations: Pathogenic. The variant affects a highly conserved arginine residue. This sequence change replaces arginine with proline at codon 527 of the LMNA protein (p.Arg527Pro) and it might alter its composition and physico-chemical properties. The variant is predicted to be damaging by both SIFT and PolyPhen2. The residue is conserved across species. The amino acid change p.Arg527Pro in LMNA is predicted as conserved by GERP++ and PhyloP across 100 vertebrates. For these reasons, this variant has been classified as Pathogenic.

OMIM
Classification: Pathogenic for EMERY-DREIFUSS MUSCULAR DYSTROPHY 2, AUTOSOMAL DOMINANT. Last evaluated: 2009-01-01. Review status: no assertion criteria provided. Collection method: literature only. Allele origin: germline. Not counted in ClinVar's aggregate classification.

OMIM
Classification: Pathogenic for LIPODYSTROPHY, FAMILIAL PARTIAL, TYPE 2. Last evaluated: 2009-01-01. Review status: no assertion criteria provided. Collection method: literature only. Allele origin: germline. Not counted in ClinVar's aggregate classification.

Epithelial Biology;  Institute of Medical Biology, Singapore
No classification provided. Review status: no classification provided. Collection method: not provided. Allele origin: not provided. Not counted in ClinVar's aggregate classification.

Literature cited by the submitters: PubMed 10080180 (cited by 4 submitters); PubMed 19084400 (cited by 4 submitters); PubMed 20980393 (cited by 3 submitters); PubMed 16218190 (cited by Labcorp Genetics (formerly Invitae), Labcorp and Loeys Lab, Universiteit Antwerpen); PubMed 19933576 (cited by Labcorp Genetics (formerly Invitae), Labcorp and Loeys Lab, Universiteit Antwerpen); PubMed 12075506 (cited by Labcorp Genetics (formerly Invitae), Labcorp); PubMed 14627682 (cited by Labcorp Genetics (formerly Invitae), Labcorp); PubMed 18604166 (cited by Labcorp Genetics (formerly Invitae), Labcorp); PubMed 19432833 (cited by Labcorp Genetics (formerly Invitae), Labcorp); PubMed 23497705 (cited by Labcorp Genetics (formerly Invitae), Labcorp); PubMed 25286833 (cited by Labcorp Genetics (formerly Invitae), Labcorp); PubMed 25324471 (cited by Labcorp Genetics (formerly Invitae), Labcorp); PubMed 25823658 (cited by Labcorp Genetics (formerly Invitae), Labcorp); PubMed 12196663 (cited by Ambry Genetics and OMIM); PubMed 23183350 (cited by Ambry Genetics); PubMed 26098624 (cited by Ambry Genetics); PubMed 32571898 (cited by Ambry Genetics); PubMed 34240052 (cited by Ambry Genetics); PubMed 36397776 (cited by Ambry Genetics).